The following is an entry in ClinVar:

ClinVar aggregate classification (germline): Uncertain significance (1 of 4 stars; one submission).

Conditions:
Candidiasis, familial, 9 (CANDF9). Identifiers: Orphanet 1334, MedGen C4225324, MONDO:0014642, OMIM 616445.

Submission:

Labcorp Genetics (formerly Invitae), Labcorp
Classification: Uncertain significance for Candidiasis, familial, 9. Last evaluated: 2023-10-22. Review status: criteria provided, single submitter. Criteria: Invitae Variant Classification Sherloc (09022015). Collection method: clinical testing. Allele origin: germline.
Comment: This sequence change results in a frameshift in the IL17RC gene (p.Val631Trpfs*163). While this is not anticipated to result in nonsense mediated decay, it is expected to disrupt the last 161 amino acid(s) of the IL17RC protein and extend the protein by 1 additional amino acid residues. This variant is not present in population databases (gnomAD no frequency). This variant has not been reported in the literature in individuals affected with IL17RC-related conditions. Experimental studies and prediction algorithms are not available or were not evaluated, and the functional significance of this variant is currently unknown. In summary, the available evidence is currently insufficient to determine the role of this variant in disease. Therefore, it has been classified as a Variant of Uncertain Significance.

NM_153460.4(IL17RC):c.1677del (p.Val560fs)

Gene: IL17RC (interleukin 17 receptor C; plus strand). Cytogenetic location: 3p25.3.
Variant type: Deletion.
Coding change: c.1677del on transcript NM_153460.4 (MANE Select); coding-DNA position 1677, one base deleted (C; older notation c.1677delC).
Protein change: p.Val560fs; shifts the reading frame from valine 560.
Molecular consequence: frameshift variant. On other transcripts: non-coding transcript variant (1).
Genome position (GRCh38, 1-based): chr3:9,933,107, C deleted; the last of 3 consecutive C bases (chr3:9,933,105-9,933,107); deleting any one gives the same sequence. VCF-style (leftmost placement, unchanged base first): chr3-9933104-GC-G. GRCh37 (hg19) VCF-style: chr3-9974788-GC-G.
Other names: c.1638del, p.Val547fs (NM_001203263.2); c.1587del, p.Val530fs (NM_001203264.2); c.1581del, p.Val528fs (NM_001203265.2); c.1599del, p.Val534fs (NM_001367278.1); c.1518del, p.Val507fs (NM_001367279.1); c.1593del, p.Val532fs (NM_001367280.1); c.1542del, p.Val515fs (NM_001410711.1); c.1632del, p.Val545fs (NM_032732.6); and 1 more; short protein forms V528fs, V547fs, V631fs, V507fs, V532fs, V534fs, V515fs, V530fs.
Identifiers: ClinVar variation 2770856 (VCV002770856.3), dbSNP rs2470438525, ClinGen allele CA2697550677.
Genomic context (GRCh38, chr3:9,933,104, plus strand): 5'-CCAGCTGCCGCTGCGCGTGGCCGTAGACCTGTGGAGCCGTCGTGAACTGAGCGCGCAGGG[GC>G]CCGTGGCTTGGTTTCACGCGCAGCGGCGCCAGACCCTGCAGGAGGGCGGCGTGGTGGTCT-3'